The following is an entry in ClinVar:

NM_006767.4(LZTR1):c.2102C>G (p.Pro701Arg)

Gene: LZTR1 (leucine zipper like post translational regulator 1; plus strand). Cytogenetic location: 22q11.21.
Variant type: single nucleotide variant.
Coding change: c.2102C>G on transcript NM_006767.4 (MANE Select); coding-DNA position 2102, C replaced by G.
Protein change: p.Pro701Arg; replaces proline 701 with arginine.
Molecular consequence: missense variant.
Genome position (GRCh38, 1-based): chr22:20,995,995, C>G. VCF-style: chr22-20995995-C-G. GRCh37 (hg19) VCF-style: chr22-21350284-C-G.
Other names: short protein forms P701R.
Identifiers: ClinVar variation 1785939 (VCV001785939.3), dbSNP rs1327579827, ClinGen allele CA410779313.

ClinVar aggregate classification (germline): Uncertain significance. Review status: criteria provided, multiple submitters, no conflicts (2 of 4 stars). 2 submissions from 2 submitters: Uncertain significance (2). Last evaluated 2023-01-19.

Conditions:
Hereditary cancer-predisposing syndrome. Also called: Neoplastic Syndromes, Hereditary; Tumor predisposition; Hereditary Cancer Syndrome; Hereditary neoplastic syndrome. Identifiers: Orphanet 140162, MedGen C0027672, MeSH D009386, MONDO:0015356.
Cardiovascular phenotype. Identifiers: MedGen CN230736.

Allele frequency attached by ClinVar (database versions not stated): gnomAD exomes below 0.00001.
gnomAD v4.1: 1 of 1,613,764 alleles (0.000062%); highest among the groups gnomAD compares: Non-Finnish European, 0.000085%; no homozygotes.

Submissions (2):

GeneDx
Classification: Uncertain significance. Last evaluated: 2023-01-19. Review status: criteria provided, single submitter. Criteria: GeneDx Variant Classification Process June 2021. Collection method: clinical testing. Allele origin: germline. Affected: yes.
Comment: Not observed at significant frequency in large population cohorts (gnomAD); In silico analysis supports that this missense variant has a deleterious effect on protein structure/function; Has not been previously published as pathogenic or benign to our knowledge

Ambry Genetics
Classification: Uncertain significance for Cardiovascular phenotype; Hereditary cancer-predisposing syndrome. Last evaluated: 2022-03-24. Review status: criteria provided, single submitter. Criteria: Ambry Variant Classification Scheme 2023. Collection method: clinical testing. Allele origin: germline.
Comment: The p.P701R variant (also known as c.2102C>G), located in coding exon 18 of the LZTR1 gene, results from a C to G substitution at nucleotide position 2102. The proline at codon 701 is replaced by arginine, an amino acid with dissimilar properties. This amino acid position is conserved. In addition, the in silico prediction for this alteration is inconclusive. Since supporting evidence is limited at this time, the clinical significance of this alteration remains unclear.